The following is an entry in ClinVar:

ClinVar aggregate classification (germline): Uncertain significance (1 of 4 stars; one submission).

Allele frequency attached by ClinVar (database versions not stated): TOPMed below 0.00001.

Submission:

Labcorp Genetics (formerly Invitae), Labcorp
Classification: Uncertain significance. Last evaluated: 2023-10-10. Review status: criteria provided, single submitter. Criteria: Invitae Variant Classification Sherloc (09022015). Collection method: clinical testing. Allele origin: germline.
Comment: This sequence change replaces lysine, which is basic and polar, with arginine, which is basic and polar, at codon 219 of the RASGRP1 protein (p.Lys219Arg). This variant is not present in population databases (gnomAD no frequency). This variant has not been reported in the literature in individuals affected with RASGRP1-related conditions. ClinVar contains an entry for this variant (Variation ID: 1500102). Advanced modeling of protein sequence and biophysical properties (such as structural, functional, and spatial information, amino acid conservation, physicochemical variation, residue mobility, and thermodynamic stability) performed at Invitae indicates that this missense variant is not expected to disrupt RASGRP1 protein function. In summary, the available evidence is currently insufficient to determine the role of this variant in disease. Therefore, it has been classified as a Variant of Uncertain Significance.

NM_005739.4(RASGRP1):c.656A>G (p.Lys219Arg)

Gene: RASGRP1 (RAS guanyl releasing protein 1; minus strand). Cytogenetic location: 15q14.
Variant type: single nucleotide variant.
Coding change: c.656A>G on transcript NM_005739.4 (MANE Select); coding-DNA position 656, A replaced by G.
Protein change: p.Lys219Arg; replaces lysine 219 with arginine.
Molecular consequence: missense variant.
Genome position (GRCh38, 1-based): chr15:38,516,216, T>C on the plus strand (A>G on the coding strand, the complement: RASGRP1 is on the minus strand). VCF-style: chr15-38516216-T-C. GRCh37 (hg19) VCF-style: chr15-38808417-T-C.
Other names: c.656A>G, p.Lys219Arg (NM_001128602.2, NM_001306086.2); short protein forms K219R.
Identifiers: ClinVar variation 1500102 (VCV001500102.6), dbSNP rs894960876, ClinGen allele CA268695018.